The following is an entry in ClinVar:

NM_001082486.2(ACD):c.671G>A (p.Ser224Asn)

Gene: ACD (ACD shelterin complex subunit and telomerase recruitment factor; minus strand). Cytogenetic location: 16q22.1.
Variant type: single nucleotide variant.
Coding change: c.671G>A on transcript NM_001082486.2 (MANE Select); coding-DNA position 671, G replaced by A.
Protein change: p.Ser224Asn; replaces serine 224 with asparagine.
Molecular consequence: missense variant.
Genome position (GRCh38, 1-based): chr16:67,658,791, C>T on the plus strand (G>A on the coding strand, the complement: ACD is on the minus strand). VCF-style: chr16-67658791-C-T. GRCh37 (hg19) VCF-style: chr16-67692694-C-T.
Other names: c.671G>A, p.Ser224Asn (NM_001410884.1); c.662G>A, p.Ser221Asn (NM_022914.3); short protein forms S224N, S221N.
Identifiers: ClinVar variation 1766464 (VCV001766464.2), dbSNP rs2543602489, ClinGen allele CA396353676.
Genomic context (GRCh38, chr16:67,658,791, plus strand): 5'-TGACAGGGGCCTAGAGAGCTCAGAATTAGCTGGTCATTCTCAGAGATGCACAGCATTGAG[C>T]TGGGGACAGTGTACACAGCTTCTCCCTGTGGGACATGAACTCTGTAGGACAGGCCCGTTT-3'
Protein context (NP_001075955.2, residues 214-234): ATGEAVYTVP[Ser224Asn]SMLCISENDQ

ClinVar aggregate classification (germline): Uncertain significance (1 of 4 stars; one submission).

Conditions:
Inborn genetic diseases. Identifiers: MedGen C0950123, MeSH D030342.

Submission:

Ambry Genetics
Classification: Uncertain significance for Inborn genetic diseases. Last evaluated: 2022-03-04. Review status: criteria provided, single submitter. Criteria: Ambry Variant Classification Scheme 2023. Collection method: clinical testing. Allele origin: germline.
Comment: The p.S310N variant (also known as c.929G>A), located in coding exon 8 of the ACD gene, results from a G to A substitution at nucleotide position 929. The serine at codon 310 is replaced by asparagine, an amino acid with highly similar properties. This amino acid position is conserved. In addition, this alteration is predicted to be tolerated by in silico analysis. Since supporting evidence is limited at this time, the clinical significance of this alteration remains unclear.